The following is an entry in ClinVar:

ClinVar aggregate classification (germline): Likely pathogenic (1 of 4 stars; one submission).

Conditions:
Severe X-linked myotubular myopathy (CNMX). Also called: MYOTUBULAR MYOPATHY 1; Myotubular myopathy, X-linked; X-linked centronuclear myopathy. Identifiers: Orphanet 596, MedGen C0410203, MONDO:0010683, OMIM 310400.

Submission:

Myriad Genetics, Inc.
Classification: Likely pathogenic for Severe X-linked myotubular myopathy. Last evaluated: 2021-12-08. Review status: criteria provided, single submitter. Criteria: Myriad Women's Health Autosomal Recessive and X-Linked Classification Criteria (2021). Collection method: clinical testing. Allele origin: unknown.
Comment: NM_000252.2(MTM1):c.730_731delCA(Q244Afs*11) is expected to be pathogenic in the context of X-linked myotubular myopathy. This variant is predicted to lead to an abnormal or absent protein product due to the creation of a premature termination codon in MTM1, a gene where loss-of-function variants are known to be pathogenic. Please note: this variant was assessed in the context of healthy population screening.

NM_000252.3(MTM1):c.730_731del (p.Gln244fs)

Gene: MTM1 (myotubularin 1; plus strand). Cytogenetic location: Xq28.
Variant type: Deletion.
Coding change: c.730_731del on transcript NM_000252.3 (MANE Select); coding-DNA positions 730 to 731, 2 bases deleted (CA; older notation c.730_731delCA).
Protein change: p.Gln244fs; shifts the reading frame from glutamine 244.
Molecular consequence: frameshift variant.
Genome position (GRCh38, 1-based): chrX:150,645,734-150,645,735, CA deleted. VCF-style (leftmost placement, unchanged base first): chrX-150645733-TCA-T. GRCh37 (hg19) VCF-style: chrX-149814206-TCA-T.
Other names: c.730_731del, p.Gln244fs (NM_001376906.1, NM_001376908.1); c.619_620del, p.Gln207fs (NM_001376907.1); short protein forms Q207fs, Q244fs.
Identifiers: ClinVar variation 1725909 (VCV001725909.2), dbSNP rs2522381240, ClinGen allele CA2580101643.